The following is an entry in ClinVar:

NM_000376.3(VDR):c.152G>C (p.Ser51Thr)

Gene: VDR (vitamin D receptor; minus strand). Cytogenetic location: 12q13.11.
Variant type: single nucleotide variant.
Coding change: c.152G>C on transcript NM_000376.3 (MANE Select); coding-DNA position 152, G replaced by C.
Protein change: p.Ser51Thr; replaces serine 51 with threonine.
Molecular consequence: missense variant.
Genome position (GRCh38, 1-based): chr12:47,865,172, C>G on the plus strand (G>C on the coding strand, the complement: VDR is on the minus strand). VCF-style: chr12-47865172-C-G. GRCh37 (hg19) VCF-style: chr12-48258955-C-G.
Other names: c.152G>C, p.Ser51Thr (NM_001017535.2, NM_001364085.2, NM_001374661.1 and 1 more transcripts); c.302G>C, p.Ser101Thr (NM_001017536.2); short protein forms S101T, S51T.
Identifiers: ClinVar variation 3631363 (VCV003631363.2).

ClinVar aggregate classification (germline): Uncertain significance (1 of 4 stars; one submission).

gnomAD v4.1: 1 of 1,611,352 alleles (0.000062%); highest among the groups gnomAD compares: East Asian, 0.0022%; no homozygotes.

Submission:

Labcorp Genetics (formerly Invitae), Labcorp
Classification: Uncertain significance. Last evaluated: 2024-12-21. Review status: criteria provided, single submitter. Criteria: Invitae Variant Classification Sherloc (09022015). Collection method: clinical testing. Allele origin: germline.
Comment: This sequence change replaces serine, which is neutral and polar, with threonine, which is neutral and polar, at codon 51 of the VDR protein (p.Ser51Thr). This variant is not present in population databases (gnomAD no frequency). This variant has not been reported in the literature in individuals affected with VDR-related conditions. Invitae Evidence Modeling of protein sequence and biophysical properties (such as structural, functional, and spatial information, amino acid conservation, physicochemical variation, residue mobility, and thermodynamic stability) indicates that this missense variant is not expected to disrupt VDR protein function with a negative predictive value of 80%. Experimental studies have shown that this missense change affects VDR function (PMID: 8392065, 28427151). In summary, the available evidence is currently insufficient to determine the role of this variant in disease. Therefore, it has been classified as a Variant of Uncertain Significance.

Literature cited by the submitters: PubMed 8392065; PubMed 28427151.